The following is an entry in ClinVar:

ClinVar aggregate classification (germline): Benign/Likely benign. Review status: criteria provided, multiple submitters, no conflicts (2 of 4 stars). 3 submissions from 3 submitters: Benign (2); Likely benign (1). Last evaluated 2022-10-01.

Allele frequency attached by ClinVar (database versions not stated): ESP Exome Variant Server 0.00023; gnomAD 0.00031 and 0.00052; TOPMed 0.00043; gnomAD exomes 0.00082 and 0.00131; ExAC 0.00134; 1000 Genomes Project 0.00140; 1000 Genomes Project 30x 0.00172.
gnomAD v4.1: 1,288 of 1,613,894 alleles (0.08%); highest among the groups gnomAD compares: Middle Eastern, 0.73%; 6 homozygotes.

Submissions (3):

CeGaT Center for Human Genetics Tuebingen
Classification: Likely benign. Last evaluated: 2022-10-01. Review status: criteria provided, single submitter. Criteria: CeGaT Center For Human Genetics Tuebingen Variant Classification Criteria Version 2. Collection method: clinical testing. Allele origin: germline. Affected: yes. Observed: 1 variant allele.
Comment: NID2: BP4, BP7

Labcorp Genetics (formerly Invitae), Labcorp
Classification: Benign. Last evaluated: 2018-06-26. Review status: criteria provided, single submitter. Criteria: Invitae Variant Classification Sherloc (09022015). Collection method: clinical testing. Allele origin: germline.

Breakthrough Genomics
Classification: Benign. Review status: criteria provided, single submitter. Criteria: ACMG Guidelines, 2015. Collection method: not provided. Allele origin: germline. Inheritance: Unknown mechanism. Affected: yes.

NM_007361.4(NID2):c.3681T>C (p.Asp1227=)

Gene: NID2 (nidogen 2; minus strand). Cytogenetic location: 14q22.1.
Variant type: single nucleotide variant.
Coding change: c.3681T>C on transcript NM_007361.4 (MANE Select); coding-DNA position 3681, T replaced by C.
Protein change: p.Asp1227=; no amino-acid change (aspartic acid 1227 retained).
Molecular consequence: synonymous variant.
Genome position (GRCh38, 1-based): chr14:52,010,917, A>G on the plus strand (T>C on the coding strand, the complement: NID2 is on the minus strand). VCF-style: chr14-52010917-A-G. GRCh37 (hg19) VCF-style: chr14-52477635-A-G.
Identifiers: ClinVar variation 718101 (VCV000718101.28), dbSNP rs138811828, ClinGen allele CA7186162.